The following is an entry in ClinVar:

NM_000520.6(HEXA):c.598G>T (p.Val200Leu)

Gene: HEXA (hexosaminidase subunit alpha; minus strand). Cytogenetic location: 15q23.
Variant type: single nucleotide variant.
Coding change: c.598G>T on transcript NM_000520.6 (MANE Select); coding-DNA position 598, G replaced by T.
Protein change: p.Val200Leu; replaces valine 200 with leucine.
Molecular consequence: missense variant. On other transcripts: non-coding transcript variant (1).
Genome position (GRCh38, 1-based): chr15:72,351,207, C>A on the plus strand (G>T on the coding strand, the complement: HEXA is on the minus strand). VCF-style: chr15-72351207-C-A. GRCh37 (hg19) VCF-style: chr15-72643548-C-A.
Other names: c.631G>T, p.Val211Leu (NM_001318825.2); short protein forms V211L, V200L.
Identifiers: ClinVar variation 2168828 (VCV002168828.1), dbSNP rs1800429, ClinGen allele CA393063734.
Genomic context (GRCh38, chr15:72,351,207, plus strand): 5'-CTGGAAAAGTGAAGCTCTCATATGGGAAGGAAGGATCATCTACCAGATGCCAGTGGAACA[C>A]GTTCAATTTATTGTACGCCATGACATCCTGTAGGTTAAAGTGCACACTGTGAACCCATCA-3'
Protein context (NP_000511.2, residues 190-210): LDVMAYNKLN[Val200Leu]FHWHLVDDPS

ClinVar aggregate classification (germline): Uncertain significance (1 of 4 stars; one submission).

Conditions:
Tay-Sachs disease (TSD). Also called: GM2 gangliosidosis, type 1; Hexosaminidase alpha-subunit deficiency (variant B); Sphingolipidosis, Tay-Sachs; Hexosaminidase A Deficiency; HEXA DEFICIENCY; HEXA Disorders. Identifiers: Orphanet 845, MedGen C0039373, MONDO:0010100, OMIM 272800.

Submission:

Labcorp Genetics (formerly Invitae), Labcorp
Classification: Uncertain significance for Tay-Sachs disease. Last evaluated: 2022-07-02. Review status: criteria provided, single submitter. Criteria: Invitae Variant Classification Sherloc (09022015). Collection method: clinical testing. Allele origin: germline.
Comment: This sequence change replaces valine, which is neutral and non-polar, with leucine, which is neutral and non-polar, at codon 200 of the HEXA protein (p.Val200Leu). This variant is not present in population databases (gnomAD no frequency). This variant has not been reported in the literature in individuals affected with HEXA-related conditions. Algorithms developed to predict the effect of missense changes on protein structure and function are either unavailable or do not agree on the potential impact of this missense change (SIFT: "Tolerated"; PolyPhen-2: "Probably Damaging"; Align-GVGD: "Class C0"). In summary, the available evidence is currently insufficient to determine the role of this variant in disease. Therefore, it has been classified as a Variant of Uncertain Significance.